The following is an entry in ClinVar:

NM_024529.5(CDC73):c.449_452del (p.Lys150fs)

Gene: CDC73 (cell division cycle 73; plus strand). Cytogenetic location: 1q31.2.
Variant type: Deletion.
Coding change: c.449_452del on transcript NM_024529.5 (MANE Select); coding-DNA positions 449 to 452, 4 bases deleted (AAGA; older notation c.449_452delAAGA).
Protein change: p.Lys150fs; shifts the reading frame from lysine 150.
Molecular consequence: frameshift variant.
Genome position (GRCh38, 1-based): chr1:193,138,110-193,138,113, AAGA deleted; deleting any 4 consecutive bases within chr1:193,138,109-193,138,113 gives the same sequence; the c. name uses the placement nearest the transcript's 3' end. VCF-style (leftmost placement, unchanged base first): chr1-193138108-TAAAG-T. GRCh37 (hg19) VCF-style: chr1-193107238-TAAAG-T.
Other names: short protein forms K150fs.
Identifiers: ClinVar variation 1740969 (VCV001740969.2), dbSNP rs2527317468, ClinGen allele CA2580061750.
Genomic context (GRCh38, chr1:193,138,108, plus strand): 5'-AAAAATTTTAAATGCATTAACCAGTGGTTATTTCCAGGATGAAGAGTGTGTGCGCCTTGA[TAAAG>T]AGAGATTGGCTGCCCGTTTGGAGGGTCACAAAGAAGGGATTGTACAGACTGAACAGATTA-3'

ClinVar aggregate classification (germline): Pathogenic (1 of 4 stars; one submission).

Conditions:
Hereditary cancer-predisposing syndrome. Also called: Hereditary Cancer Syndrome; Hereditary neoplastic syndrome; Neoplastic Syndromes, Hereditary; Tumor predisposition. Identifiers: Orphanet 140162, MedGen C0027672, MeSH D009386, MONDO:0015356.

Submission:

Ambry Genetics
Classification: Pathogenic for Hereditary cancer-predisposing syndrome. Last evaluated: 2021-07-02. Review status: criteria provided, single submitter. Criteria: Ambry Variant Classification Scheme 2023. Collection method: clinical testing. Allele origin: germline.
Comment: The c.449_452delAAGA pathogenic mutation, located in coding exon 6 of the CDC73 gene, results from a deletion of 4 nucleotides at nucleotide positions 449 to 452, causing a translational frameshift with a predicted alternate stop codon (p.K150Rfs*51). This alteration is expected to result in loss of function by premature protein truncation or nonsense-mediated mRNA decay. As such, this alteration is interpreted as a disease-causing mutation.